The following is an entry in ClinVar:

ClinVar aggregate classification (germline): Uncertain significance. Review status: criteria provided, single submitter (1 of 4 stars). 3 submissions from 2 submitters: Uncertain significance (2). 1 of the submissions does not count toward it.

Conditions:
Hyperinsulinemic hypoglycemia, familial, 1 (HHF1). Also called: HYPERINSULINISM, FAMILIAL, WITH PANCREATIC NESIDIOBLASTOSIS; HYPOGLYCEMIA, HYPERINSULINEMIC, OF INFANCY; Persistent hyperinsulinemic hypoglycemia of infancy; NESIDIOBLASTOSIS OF PANCREAS; Persistent Hyperinsulinemia Hypoglycemia of Infancy. Identifiers: Orphanet 276575, Orphanet 276598, MedGen C2931832, MONDO:0009734, OMIM 256450.
Transitory neonatal diabetes mellitus. Also called: Transient neonatal diabetes mellitus. Identifiers: MedGen C0342273, MONDO:0020525, HP:0008255.
Maturity-onset diabetes of the young (MODY). Also called: Maturity onset diabetes mellitus in young. Identifiers: Orphanet 552, MedGen C0342276, MONDO:0018911, HP:0004904.

Submissions (3):

Clinical Genomics, Uppaluri K&H Personalized Medicine Clinic
Classification: Uncertain significance for Transitory neonatal diabetes mellitus. Review status: criteria provided, single submitter. Criteria: K & H Uppaluri Personalized Medicine Clinic Variant Classification & Assertion Criteria_Updated V.1. Collection method: research. Allele origin: unknown. Inheritance: Somatic mutation.
Comment: Mutations in ABCC8 gene are associated with both neonatal diabetes mellitus as well as MODY. Patients with this mutation may have a better response to sulfonylureas. However, no sufficient evidence is found to ascertain the role of this particular variant (rs1554914779) in neonatal diabetes yet.

Clinical Genomics, Uppaluri K&H Personalized Medicine Clinic
Classification: Uncertain significance for Maturity-onset diabetes of the young. Review status: criteria provided, single submitter. Criteria: K & H Uppaluri Personalized Medicine Clinic Variant Classification & Assertion Criteria_Updated V.1. Collection method: research. Allele origin: unknown. Inheritance: Somatic mutation.
Comment: Mutations in ABCC8 gene are associated with both neonatal diabetes mellitus as well as MODY. Patients with this mutation may have a better response to sulfonylureas. However, no sufficient evidence is found to ascertain the role of this particular variant ( rs1554914779) in MODY yet.

Counsyl
Classification: Uncertain significance for Hyperinsulinemic hypoglycemia, familial, 1. Last evaluated: 2017-02-08. Review status: no assertion criteria provided. Collection method: clinical testing. Allele origin: unknown. Not counted in ClinVar's aggregate classification.

Literature cited by the submitters: PubMed 16885549 (cited by Clinical Genomics, Uppaluri K&H Personalized Medicine Clinic); PubMed 21989597 (cited by Clinical Genomics, Uppaluri K&H Personalized Medicine Clinic); PubMed 27538677 (cited by Clinical Genomics, Uppaluri K&H Personalized Medicine Clinic); PubMed 18981553 (cited by Clinical Genomics, Uppaluri K&H Personalized Medicine Clinic); PubMed 32027066 (cited by Clinical Genomics, Uppaluri K&H Personalized Medicine Clinic); PubMed 16613899 (cited by Clinical Genomics, Uppaluri K&H Personalized Medicine Clinic); PubMed 18025408 (cited by Clinical Genomics, Uppaluri K&H Personalized Medicine Clinic); PubMed 32792356 (cited by Clinical Genomics, Uppaluri K&H Personalized Medicine Clinic); PubMed 10720932 (cited by Counsyl).

NM_000352.6(ABCC8):c.2694+3G>A

Gene: ABCC8 (ATP binding cassette subfamily C member 8; minus strand). Cytogenetic location: 11p15.1.
Variant type: single nucleotide variant.
Coding change: c.2694+3G>A on transcript NM_000352.6 (MANE Select); 3 bases into the intron after coding-DNA position 2694, G replaced by A.
Molecular consequence: intron variant.
Genome position (GRCh38, 1-based): chr11:17,410,513, C>T on the plus strand (G>A on the coding strand, the complement: ABCC8 is on the minus strand). VCF-style: chr11-17410513-C-T. GRCh37 (hg19) VCF-style: chr11-17432060-C-T.
Other names: c.2691+3G>A (NM_001351297.2); c.2694+3G>A (NM_001351296.2); c.2760+3G>A (NM_001351295.2); c.2697+3G>A (NM_001287174.3).
Identifiers: ClinVar variation 550692 (VCV000550692.3), dbSNP rs1554914779, ClinGen allele CA658822180.